The following is an entry in ClinVar:

ClinVar aggregate classification (germline): Uncertain significance (1 of 4 stars; one submission).

gnomAD v4.1: 13 of 1,612,446 alleles (0.00081%); highest among the groups gnomAD compares: East Asian, 0.0045%; no homozygotes.

Submission:

GeneDx
Classification: Uncertain significance. Last evaluated: 2025-06-13. Review status: criteria provided, single submitter. Criteria: GeneDx Variant Classification Process June 2021. Collection method: clinical testing. Allele origin: germline. Affected: yes.
Comment: Not observed at significant frequency in large population cohorts (gnomAD); Missense variant in a gene in which most reported pathogenic variants are truncating/loss of function; Has not been previously published as pathogenic or benign to our knowledge

NM_001267550.2(TTN):c.11312-4067G>A

Gene: TTN (titin; minus strand). Cytogenetic location: 2q31.2.
Variant type: single nucleotide variant.
Coding change: c.11312-4067G>A on transcript NM_001267550.2 (MANE Select); 4067 bases into the intron before coding-DNA position 11312, G replaced by A.
Molecular consequence: intron variant. On other transcripts: missense variant (1).
Genome position (GRCh38, 1-based): chr2:178,745,988, C>T on the plus strand (G>A on the coding strand, the complement: TTN is on the minus strand). VCF-style: chr2-178745988-C-T. GRCh37 (hg19) VCF-style: chr2-179610715-C-T.
Other names: c.16412G>A, p.Gly5471Glu (NM_133379.5); c.10223-4067G>A (NM_003319.4); c.10799-4067G>A (NM_133437.4); c.10598-4067G>A (NM_133432.3); c.10360+7136G>A (NM_133378.4); c.10361-4067G>A (NM_001256850.1); short protein forms G5471E.
Identifiers: ClinVar variation 4537903 (VCV004537903.1).